The following is an entry in ClinVar:

NM_001904.4(CTNNB1):c.412A>G (p.Asn138Asp)

Genes: CTNNB1 (catenin beta 1; plus strand), LOC126806658 (BRD4-independent group 4 enhancer GRCh37_chr3:41265899-41267098; plus strand). Cytogenetic location: 3p22.1.
Variant type: single nucleotide variant.
Coding change: c.412A>G on transcript NM_001904.4 (MANE Select); coding-DNA position 412, A replaced by G.
Protein change: p.Asn138Asp; replaces asparagine 138 with aspartic acid.
Molecular consequence: missense variant.
Genome position (GRCh38, 1-based): chr3:41,225,124, A>G. VCF-style: chr3-41225124-A-G. GRCh37 (hg19) VCF-style: chr3-41266615-A-G.
Other names: c.412A>G, p.Asn138Asp (NM_001098209.2, NM_001098210.2, NM_001438871.1 and 4 more transcripts); c.391A>G, p.Asn131Asp (NM_001330729.2); short protein forms N131D, N138D.
Identifiers: ClinVar variation 4798170 (VCV004798170.1).

ClinVar aggregate classification (germline): Uncertain significance (1 of 4 stars; one submission).

Submission:

Labcorp Genetics (formerly Invitae), Labcorp
Classification: Uncertain significance. Last evaluated: 2025-06-30. Review status: criteria provided, single submitter. Criteria: Invitae Variant Classification Sherloc (09022015). Collection method: clinical testing. Allele origin: germline.
Comment: This sequence change replaces asparagine, which is neutral and polar, with aspartic acid, which is acidic and polar, at codon 138 of the CTNNB1 protein (p.Asn138Asp). This variant is present in population databases (no rsID available, gnomAD 0.0009%). This variant has not been reported in the literature in individuals affected with CTNNB1-related conditions. Invitae Evidence Modeling of protein sequence and biophysical properties (such as structural, functional, and spatial information, amino acid conservation, physicochemical variation, residue mobility, and thermodynamic stability) indicates that this missense variant is not expected to disrupt CTNNB1 protein function with a negative predictive value of 80%. In summary, the available evidence is currently insufficient to determine the role of this variant in disease. Therefore, it has been classified as a Variant of Uncertain Significance.